The following is an entry in ClinVar:

NM_025114.4(CEP290):c.7156_7158del (p.Lys2386del)

Gene: CEP290 (centrosomal protein 290; minus strand). Cytogenetic location: 12q21.32.
Variant type: Deletion.
Coding change: c.7156_7158del on transcript NM_025114.4 (MANE Select); coding-DNA positions 7156 to 7158, 3 bases deleted (AAA; older notation c.7156_7158delAAA).
Protein change: p.Lys2386del; deletes lysine 2386.
Molecular consequence: inframe deletion.
Genome position (GRCh38, 1-based): chr12:88,050,405-88,050,407, TTT deleted on the plus strand (AAA on the coding strand, the reverse complement: CEP290 is on the minus strand); deleting any 3 consecutive bases within chr12:88,050,405-88,050,408 gives the same sequence; the c. name uses the placement nearest the transcript's 3' end. VCF-style (leftmost placement, unchanged base first): chr12-88050404-CTTT-C. GRCh37 (hg19) VCF-style: chr12-88444181-CTTT-C.
Other names: short protein forms K2386del.
Identifiers: ClinVar variation 3344921 (VCV003344921.1).

ClinVar aggregate classification (germline): Uncertain significance (0 of 4 stars; one submission).

Conditions:
CEP290-related disorder. Also called: CEP290-related condition; CEP290-related disorders. Identifiers: MedGen CN239314.

Submission:

PreventionGenetics, part of Exact Sciences
Classification: Uncertain significance for CEP290-related condition. Last evaluated: 2024-04-08. Review status: no assertion criteria provided. Collection method: clinical testing. Allele origin: germline.
Comment: The CEP290 c.7156_7158delAAA variant is predicted to result in an in-frame deletion (p.Lys2386del). To our knowledge, this variant has not been reported in the literature or in a large population database, indicating this variant is rare. At this time, the clinical significance of this variant is uncertain due to the absence of conclusive functional and genetic evidence.